The following is an entry in ClinVar:

ClinVar aggregate classification (germline): Uncertain significance (1 of 4 stars; one submission).

Conditions:
Ehlers-Danlos syndrome, kyphoscoliotic type 1 (EDSKSCL1). Also called: Ehlers-Danlos syndrome, hydroxylysine-deficient; EHLERS-DANLOS SYNDROME, OCULAR-SCOLIOTIC TYPE; PLOD1-Related Kyphoscoliotic Ehlers-Danlos Syndrome; EHLERS-DANLOS SYNDROME, TYPE VIA. Identifiers: Orphanet 1900, MedGen C0268342, MONDO:0016002, OMIM 225400. Disease mechanism: loss of function.

gnomAD v4.1: 3 of 1,613,766 alleles (0.00019%); highest among the groups gnomAD compares: African/African-American, 0.0013%; no homozygotes.

Submission:

Labcorp Genetics (formerly Invitae), Labcorp
Classification: Uncertain significance for Ehlers-Danlos syndrome, kyphoscoliotic type 1. Last evaluated: 2023-12-12. Review status: criteria provided, single submitter. Criteria: Invitae Variant Classification Sherloc (09022015). Collection method: clinical testing. Allele origin: germline.
Comment: This sequence change replaces alanine, which is neutral and non-polar, with valine, which is neutral and non-polar, at codon 57 of the PLOD1 protein (p.Ala57Val). This variant is present in population databases (no rsID available, gnomAD 0.003%). This variant has not been reported in the literature in individuals affected with PLOD1-related conditions. ClinVar contains an entry for this variant (Variation ID: 1043095). Algorithms developed to predict the effect of missense changes on protein structure and function output the following: SIFT: "Not Available"; PolyPhen-2: "Benign"; Align-GVGD: "Not Available". The valine amino acid residue is found in multiple mammalian species, which suggests that this missense change does not adversely affect protein function. In summary, the available evidence is currently insufficient to determine the role of this variant in disease. Therefore, it has been classified as a Variant of Uncertain Significance.

NM_000302.4(PLOD1):c.170C>T (p.Ala57Val)

Gene: PLOD1 (procollagen-lysine,2-oxoglutarate 5-dioxygenase 1; plus strand). Cytogenetic location: 1p36.22.
Variant type: single nucleotide variant.
Coding change: c.170C>T on transcript NM_000302.4 (MANE Select); coding-DNA position 170, C replaced by T.
Protein change: p.Ala57Val; replaces alanine 57 with valine.
Molecular consequence: missense variant.
Genome position (GRCh38, 1-based): chr1:11,949,774, C>T. VCF-style: chr1-11949774-C-T. GRCh37 (hg19) VCF-style: chr1-12009831-C-T.
Other names: c.311C>T, p.Ala104Val (NM_001316320.2); short protein forms A104V, A57V.
Identifiers: ClinVar variation 1043095 (VCV001043095.8), dbSNP rs753862253, ClinGen allele CA338426122.